The following is an entry in ClinVar:

ClinVar aggregate classification (germline): Uncertain significance. Review status: criteria provided, multiple submitters, no conflicts (2 of 4 stars). 2 submissions from 2 submitters: Uncertain significance (2). Last evaluated 2023-05-20.

Conditions:
Familial focal epilepsy with variable foci (FPEVF). Identifiers: Orphanet 98820, MedGen C1858477, MONDO:0020310.

Allele frequency attached by ClinVar (database versions not stated): TOPMed below 0.00001.

Submissions (2):

Labcorp Genetics (formerly Invitae), Labcorp
Classification: Uncertain significance for Familial focal epilepsy with variable foci. Last evaluated: 2023-05-20. Review status: criteria provided, single submitter. Criteria: Invitae Variant Classification Sherloc (09022015). Collection method: clinical testing. Allele origin: germline.
Comment: This sequence change replaces valine, which is neutral and non-polar, with leucine, which is neutral and non-polar, at codon 283 of the DEPDC5 protein (p.Val283Leu). This variant is not present in population databases (gnomAD no frequency). This variant has not been reported in the literature in individuals affected with DEPDC5-related conditions. ClinVar contains an entry for this variant (Variation ID: 1018094). Experimental studies and prediction algorithms are not available or were not evaluated, and the functional significance of this variant is currently unknown. In summary, the available evidence is currently insufficient to determine the role of this variant in disease. Therefore, it has been classified as a Variant of Uncertain Significance.

GeneDx
Classification: Uncertain significance. Last evaluated: 2022-03-17. Review status: criteria provided, single submitter. Criteria: GeneDx Variant Classification Process June 2021. Collection method: clinical testing. Allele origin: germline. Affected: yes.
Comment: Not observed at significant frequency in large population cohorts (gnomAD); In silico analysis supports that this missense variant does not alter protein structure/function; Has not been previously published as pathogenic or benign to our knowledge

NM_001242896.3(DEPDC5):c.847G>C (p.Val283Leu)

Gene: DEPDC5 (DEP domain containing 5, GATOR1 subcomplex subunit; plus strand). Cytogenetic location: 22q12.2.
Variant type: single nucleotide variant.
Coding change: c.847G>C on transcript NM_001242896.3 (MANE Select); coding-DNA position 847, G replaced by C.
Protein change: p.Val283Leu; replaces valine 283 with leucine.
Molecular consequence: missense variant. On other transcripts: non-coding transcript variant (5).
Genome position (GRCh38, 1-based): chr22:31,797,679, G>C. VCF-style: chr22-31797679-G-C. GRCh37 (hg19) VCF-style: chr22-32193665-G-C.
Other names: c.847G>C, p.Val283Leu (NM_001007188.4, NM_001136029.4, NM_001242897.2 and 7 more transcripts); c.763G>C, p.Val255Leu (NM_001369901.1, NM_001369902.1); short protein forms V255L, V283L.
Identifiers: ClinVar variation 1018094 (VCV001018094.9), dbSNP rs1569523754, ClinGen allele CA411290675.